The following is an entry in ClinVar:

NM_000273.3(GPR143):c.250+1G>A

Gene: GPR143 (G protein-coupled receptor 143; minus strand). Cytogenetic location: Xp22.2.
Variant type: single nucleotide variant.
Coding change: c.250+1G>A on transcript NM_000273.3 (MANE Select); the canonical splice donor site of the intron after coding-DNA position 250, G replaced by A.
Molecular consequence: splice donor variant.
Genome position (GRCh38, 1-based): chrX:9,765,567, C>T on the plus strand (G>A on the coding strand, the complement: GPR143 is on the minus strand). VCF-style: chrX-9765567-C-T. GRCh37 (hg19) VCF-style: chrX-9733607-C-T.
Identifiers: ClinVar variation 3342616 (VCV003342616.1).
Genomic context (GRCh38, chrX:9,765,567, plus strand): 5'-GCCACGCGCCCTCACCCAGGCGCTGATCAGATTCCAACCCGCGGGCCGCGCGCGCCCTTA[C>T]CCAGGCAGCCGAGAAGGTCGCAGGCAGCGGCAGCGCGCAGGATGCGGACCGAGGCCGGCG-3'

ClinVar aggregate classification (germline): Pathogenic (1 of 4 stars; one submission).

Submission:

GeneDx
Classification: Pathogenic. Last evaluated: 2023-05-25. Review status: criteria provided, single submitter. Criteria: GeneDx Variant Classification Process June 2021. Collection method: clinical testing. Allele origin: germline. Affected: yes.
Comment: Canonical splice site variant predicted to result in a null allele in a gene for which loss of function is a known mechanism of disease; Not observed at significant frequency in large population cohorts (gnomAD); Reported in a patient with albinism, but zygosity, segregation data, and clinical information were not provided (Wei et al., 2022); This variant is associated with the following publications: (PMID: 34838614, 34346269)